The following is an entry in ClinVar:

ClinVar aggregate classification (germline): Uncertain significance. Review status: criteria provided, multiple submitters, no conflicts (2 of 4 stars). 2 submissions from 2 submitters: Uncertain significance (2). Last evaluated 2024-09-21.

Conditions:
Inborn genetic diseases. Identifiers: MedGen C0950123, MeSH D030342.

Allele frequency attached by ClinVar (database versions not stated): gnomAD exomes below 0.00001; TOPMed 0.00002.
gnomAD v4.1: 8 of 1,187,856 alleles (0.00067%); highest among the groups gnomAD compares: Admixed American, 0.018%; no homozygotes.

Submissions (2):

Labcorp Genetics (formerly Invitae), Labcorp
Classification: Uncertain significance. Last evaluated: 2024-09-21. Review status: criteria provided, single submitter. Criteria: Invitae Variant Classification Sherloc (09022015). Collection method: clinical testing. Allele origin: germline.
Comment: This sequence change replaces asparagine, which is neutral and polar, with lysine, which is basic and polar, at codon 234 of the MID1 protein (p.Asn234Lys). This variant is present in population databases (no rsID available, gnomAD 0.02%), including at least one homozygous and/or hemizygous individual. This variant has not been reported in the literature in individuals affected with MID1-related conditions. ClinVar contains an entry for this variant (Variation ID: 1756768). Invitae Evidence Modeling of protein sequence and biophysical properties (such as structural, functional, and spatial information, amino acid conservation, physicochemical variation, residue mobility, and thermodynamic stability) indicates that this missense variant is not expected to disrupt MID1 protein function with a negative predictive value of 80%. In summary, the available evidence is currently insufficient to determine the role of this variant in disease. Therefore, it has been classified as a Variant of Uncertain Significance.

Ambry Genetics
Classification: Uncertain significance for Inborn genetic diseases. Last evaluated: 2017-10-06. Review status: criteria provided, single submitter. Criteria: Ambry Variant Classification Scheme 2023. Collection method: clinical testing. Allele origin: germline.
Comment: The p.N234K variant (also known as c.702C>G), located in coding exon 2 of the MID1 gene, results from a C to G substitution at nucleotide position 702. The asparagine at codon 234 is replaced by lysine, an amino acid with similar properties. This amino acid position is well conserved in available vertebrate species. In addition, this alteration is predicted to be tolerated by in silico analysis. Since supporting evidence is limited at this time, the clinical significance of this alteration remains unclear.

NM_000381.4(MID1):c.702C>G (p.Asn234Lys)

Gene: MID1 (midline 1; minus strand). Cytogenetic location: Xp22.2.
Variant type: single nucleotide variant.
Coding change: c.702C>G on transcript NM_000381.4 (MANE Select); coding-DNA position 702, C replaced by G.
Protein change: p.Asn234Lys; replaces asparagine 234 with lysine.
Molecular consequence: missense variant.
Genome position (GRCh38, 1-based): chrX:10,523,146, G>C on the plus strand (C>G on the coding strand, the complement: MID1 is on the minus strand). VCF-style: chrX-10523146-G-C. GRCh37 (hg19) VCF-style: chrX-10491186-G-C.
Other names: c.702C>G, p.Asn234Lys (NM_001098624.2, NM_001193277.1, NM_001193278.1 and 3 more transcripts); c.588C>G, p.Asn196Lys (NM_001193280.1, NM_033289.2); short protein forms N196K, N234K.
Identifiers: ClinVar variation 1756768 (VCV001756768.3), dbSNP rs1405782698, ClinGen allele CA412051565.